The following is an entry in ClinVar:

ClinVar aggregate classification (germline): Uncertain significance. Review status: reviewed by expert panel (3 of 4 stars). 6 submissions from 6 submitters: Uncertain significance (1). 5 of the submissions do not count toward it. Last evaluated 2024-11-07.

Conditions:
Platelet-type bleeding disorder 16 (BDPLT16). Also called: Bleeding disorder, platelet-type, 16, autosomal dominant. Identifiers: Orphanet 140957, MedGen C5442010, MONDO:0008552, OMIM 187800.
ITGA2B-related disorder. Also called: ITGA2B-related condition; ITGA2B-related disorders.
Inborn genetic diseases. Identifiers: MedGen C0950123, MeSH D030342.
Glanzmann thrombasthenia. Also called: PLATELET GLYCOPROTEIN IIb-IIIa DEFICIENCY; Glanzmann's thrombasthenia; THROMBASTHENIA OF GLANZMANN AND NAEGELI; Thrombasthenia. Identifiers: Orphanet 849, MedGen C0040015, MONDO:0100326.

Allele frequency attached by ClinVar (database versions not stated): ExAC 0.00003; gnomAD exomes 0.00003 and 0.00004; TOPMed 0.00007; ESP Exome Variant Server 0.00008; gnomAD 0.00008; 1000 Genomes Project 30x 0.00016; 1000 Genomes Project 0.00020.
gnomAD v4.1: 63 of 1,578,718 alleles (0.004%); highest among the groups gnomAD compares: African/African-American, 0.0067%; no homozygotes.

Submissions (6):

ClinGen Platelet Disorders Variant Curation Expert Panel, ClinGen
Classification: Uncertain significance for Glanzmann thrombasthenia. Last evaluated: 2024-11-07. Review status: reviewed by expert panel. Criteria: ClinGen Platelet ACMG Specifications v2-1. Collection method: curation. Allele origin: germline. Inheritance: Autosomal recessive inheritance.
Comment: The NM_000419.5:c.2198C>T (p.Ala733Val) variant in ITGA2B is a missense variant predicted to cause substitution of Alanine by Valine at amino acid 733. The highest population minor allele frequency in gnomAD v4.1.0 is 0.00006709 (5/74528 alleles) in the African/African American population, which is lower than the ClinGen PD VCEP threshold (<0.0001; PM2_Supporting). The computational predictor REVEL gives a score of 0.089, which is below the ClinGen PD VCEP threshold of <0.25 and predicts no damaging effect on ITGA2B function (BP4). In summary, this variant meets the criteria to be classified as a variant of unknown significance due to insufficient evidence for autosomal recessive Glanzmann Thrombasthenia based on the ACMG/AMP criteria applied, as specified by the ClinGen PD VCEP: PM2_Supporting, BP4.

PreventionGenetics, part of Exact Sciences
Classification: Uncertain significance for ITGA2B-related condition. Last evaluated: 2026-03-04. Review status: criteria provided, single submitter. Criteria: ACMG Guidelines, 2015. Collection method: clinical testing. Allele origin: germline. Not counted in ClinVar's aggregate classification.
Comment: The ITGA2B c.2198C>T variant is predicted to result in the amino acid substitution p.Ala733Val. To our knowledge, this variant has not been reported in the literature. This variant is reported in 0.0072% of alleles in individuals of European (Non-Finnish) descent in gnomAD. At this time, the clinical significance of this variant is uncertain due to the absence of conclusive functional and genetic evidence.

CeGaT Center for Human Genetics Tuebingen
Classification: Uncertain significance. Last evaluated: 2024-12-01. Review status: criteria provided, single submitter. Criteria: CeGaT Center For Human Genetics Tuebingen Variant Classification Criteria Version 2. Collection method: clinical testing. Allele origin: germline. Affected: yes. Observed: 1 variant allele. Not counted in ClinVar's aggregate classification.
Comment: ITGA2B: PM2:Supporting, BP4

Labcorp Genetics (formerly Invitae), Labcorp
Classification: Uncertain significance for Glanzmann thrombasthenia. Last evaluated: 2024-04-29. Review status: criteria provided, single submitter. Criteria: Invitae Variant Classification Sherloc (09022015). Collection method: clinical testing. Allele origin: germline. Not counted in ClinVar's aggregate classification.
Comment: This sequence change replaces alanine, which is neutral and non-polar, with valine, which is neutral and non-polar, at codon 733 of the ITGA2B protein (p.Ala733Val). This variant is present in population databases (rs201042087, gnomAD 0.008%). This variant has not been reported in the literature in individuals affected with ITGA2B-related conditions. ClinVar contains an entry for this variant (Variation ID: 1698808). Advanced modeling of protein sequence and biophysical properties (such as structural, functional, and spatial information, amino acid conservation, physicochemical variation, residue mobility, and thermodynamic stability) performed at Invitae indicates that this missense variant is not expected to disrupt ITGA2B protein function with a negative predictive value of 80%. In summary, the available evidence is currently insufficient to determine the role of this variant in disease. Therefore, it has been classified as a Variant of Uncertain Significance.

Ambry Genetics
Classification: Uncertain significance for Inborn genetic diseases. Last evaluated: 2021-08-23. Review status: criteria provided, single submitter. Criteria: Ambry Variant Classification Scheme 2023. Collection method: clinical testing. Allele origin: germline. Not counted in ClinVar's aggregate classification.

Genetics and Molecular Pathology, SA Pathology
Classification: Uncertain significance for Platelet-type bleeding disorder 16. Last evaluated: 2020-07-31. Review status: criteria provided, single submitter. Criteria: ACMG Guidelines, 2015. Collection method: clinical testing. Allele origin: germline. Inheritance: Autosomal dominant inheritance. Affected: yes. Not counted in ClinVar's aggregate classification.

NM_000419.5(ITGA2B):c.2198C>T (p.Ala733Val)

Gene: ITGA2B (integrin subunit alpha 2b; minus strand). Cytogenetic location: 17q21.31.
Variant type: single nucleotide variant.
Coding change: c.2198C>T on transcript NM_000419.5 (MANE Select); coding-DNA position 2198, C replaced by T.
Protein change: p.Ala733Val; replaces alanine 733 with valine.
Molecular consequence: missense variant.
Genome position (GRCh38, 1-based): chr17:44,377,078, G>A on the plus strand (C>T on the coding strand, the complement: ITGA2B is on the minus strand). VCF-style: chr17-44377078-G-A. GRCh37 (hg19) VCF-style: chr17-42454446-G-A.
Other names: NM_000419.5(ITGA2B):c.2198C>T; p.Ala733Val; c.2198C>T (NM_000419.3); short protein forms A733V.
Identifiers: ClinVar variation 1698808 (VCV001698808.23), dbSNP rs201042087, ClinGen allele CA8602782.